The following is an entry in ClinVar:

ClinVar aggregate classification (germline): Uncertain significance. Review status: criteria provided, multiple submitters, no conflicts (2 of 4 stars). 2 submissions from 2 submitters: Uncertain significance (2). Last evaluated 2025-06-30.

Conditions:
GLUT1 deficiency syndrome 1, autosomal recessive. Identifiers: MedGen C3149117.

Submissions (2):

Labcorp Genetics (formerly Invitae), Labcorp
Classification: Uncertain significance for GLUT1 deficiency syndrome 1, autosomal recessive. Last evaluated: 2025-06-30. Review status: criteria provided, single submitter. Criteria: Invitae Variant Classification Sherloc (09022015). Collection method: clinical testing. Allele origin: germline.
Comment: This sequence change replaces isoleucine, which is neutral and non-polar, with valine, which is neutral and non-polar, at codon 339 of the SLC2A1 protein (p.Ile339Val). This variant is not present in population databases (gnomAD no frequency). This variant has not been reported in the literature in individuals affected with SLC2A1-related conditions. ClinVar contains an entry for this variant (Variation ID: 207204). Invitae Evidence Modeling of protein sequence and biophysical properties (such as structural, functional, and spatial information, amino acid conservation, physicochemical variation, residue mobility, and thermodynamic stability) indicates that this missense variant is not expected to disrupt SLC2A1 protein function with a negative predictive value of 95%. In summary, the available evidence is currently insufficient to determine the role of this variant in disease. Therefore, it has been classified as a Variant of Uncertain Significance.

GeneDx
Classification: Uncertain significance. Last evaluated: 2013-03-14. Review status: criteria provided, single submitter. Criteria: GeneDx Variant Classification (06012015). Collection method: clinical testing. Allele origin: germline. Affected: yes.
Comment: p.Ile339Val (ATA>GTA): c.1015 A>G in exon 8 of the SLC2A1 gene (NM_006516.2)The Ile339Val missense change has not been published as a mutation, nor has it been reported as a benign polymorphism to our knowledge. It was not observed in approximately 6,500 individuals of European and African American ancestry in the NHLBI Exome Sequencing Project or among the various ethnic groups studied in the 1000 Genomes Project, indicating it is not a common benign variant in these populations. The amino acid substitution is conservative, as both Isoleucine and Valine are uncharged, non-polar amino acids. It alters a conserved position in the ninth transmembrane domain of the protein, and other missense mutations have been reported in this domain. While one in silico algorithm predicts that it may be damaging to protein structure/function, other models suggest it may be benign. Therefore, based on the currently available information, it is unclear whether Ile339Thr is a disease-causing mutation or a rare benign variant.The variant is found in EPILEPSY panel(s).

NM_006516.4(SLC2A1):c.1015A>G (p.Ile339Val)

Gene: SLC2A1 (solute carrier family 2 member 1; minus strand). Cytogenetic location: 1p34.2.
Variant type: single nucleotide variant.
Coding change: c.1015A>G on transcript NM_006516.4 (MANE Select); coding-DNA position 1015, A replaced by G.
Protein change: p.Ile339Val; replaces isoleucine 339 with valine.
Molecular consequence: missense variant.
Genome position (GRCh38, 1-based): chr1:42,928,991, T>C on the plus strand (A>G on the coding strand, the complement: SLC2A1 is on the minus strand). VCF-style: chr1-42928991-T-C. GRCh37 (hg19) VCF-style: chr1-43394662-T-C.
Other names: p.I339V:ATA>GTA; short protein forms I339V.
Identifiers: ClinVar variation 207204 (VCV000207204.3), dbSNP rs796053256, ClinGen allele CA318453.